The following is an entry in ClinVar:

ClinVar aggregate classification (germline): Likely benign. Review status: criteria provided, multiple submitters, no conflicts (2 of 4 stars). 3 submissions from 3 submitters: Likely benign (3). Last evaluated 2025-03-12.

Conditions:
Hereditary breast ovarian cancer syndrome. Also called: Hereditary breast and ovarian cancer; Hereditary breast and ovarian cancer syndrome (HBOC); Breast and ovarian cancer; Hereditary breast and/or ovarian cancer syndrome; BRCA1- and BRCA2-Associated Hereditary Breast and Ovarian Cancer; Hereditary breast and ovarian cancer syndrome. Identifiers: Orphanet 145, MedGen C0677776, MeSH D061325, MONDO:0003582. Disease mechanism: loss of function.
Hereditary cancer-predisposing syndrome. Also called: Neoplastic Syndromes, Hereditary; Tumor predisposition; Hereditary Cancer Syndrome; Hereditary neoplastic syndrome. Identifiers: Orphanet 140162, MedGen C0027672, MeSH D009386, MONDO:0015356.

Submissions (4):

Labcorp Genetics (formerly Invitae), Labcorp
Classification: Likely benign for Hereditary breast ovarian cancer syndrome. Last evaluated: 2025-03-12. Review status: criteria provided, single submitter. Criteria: Invitae Variant Classification Sherloc (09022015). Collection method: clinical testing. Allele origin: germline.

Ambry Genetics
Classification: Likely benign for Hereditary cancer-predisposing syndrome. Last evaluated: 2023-09-11. Review status: criteria provided, single submitter. Criteria: Ambry Variant Classification Scheme 2023. Collection method: clinical testing. Allele origin: germline.

GeneDx
Classification: Likely benign. Last evaluated: 2020-07-10. Review status: criteria provided, single submitter. Criteria: GeneDx Variant Classification Process June 2021. Collection method: clinical testing. Allele origin: germline. Affected: yes.
Comment: This variant is associated with the following publications: (PMID: 30209399)

Brotman Baty Institute, University of Washington
No classification provided (evidence only). Condition: Breast-ovarian cancer, familial 1. Review status: no classification provided. Collection method: in vitro. Allele origin: not applicable. Functional consequence: functionally_normal. Not counted in ClinVar's aggregate classification.
ClinVar note: "not provided" was previously submitted as the classification for the variant. However, the classification appeared to be based only on an observation of functional data so it was converted to no classification on 2025-07-30.

NM_007294.4(BRCA1):c.5548C>T (p.Leu1850=)

Gene: BRCA1 (BRCA1 DNA repair associated; minus strand). Cytogenetic location: 17q21.31.
Variant type: single nucleotide variant.
Coding change: c.5548C>T on transcript NM_007294.4 (MANE Select); coding-DNA position 5548, C replaced by T.
Protein change: p.Leu1850=; no amino-acid change (leucine 1850 retained).
Molecular consequence: synonymous variant. On other transcripts: 3 prime UTR variant (17).
Genome position (GRCh38, 1-based): chr17:43,045,722, G>A on the plus strand (C>T on the coding strand, the complement: BRCA1 is on the minus strand). VCF-style: chr17-43045722-G-A. GRCh37 (hg19) VCF-style: chr17-41197739-G-A.
Other names: c.5419C>T, p.Leu1807= (NM_001407683.1, NM_001407684.1, NM_001407685.1 and 6 more transcripts); c.5416C>T, p.Leu1806= (NM_001407690.1, NM_001407691.1); c.5407C>T, p.Leu1803= (NM_001407692.1, NM_001407694.1, NM_001407695.1 and 12 more transcripts); c.5404C>T, p.Leu1802= (NM_001407732.1, NM_001407733.1, NM_001407734.1 and 18 more transcripts); c.5401C>T, p.Leu1801= (NM_001407838.1, NM_001407839.1, NM_001407841.1 and 12 more transcripts); c.*62C>T (NM_001407854.1, NM_001407858.1, NM_001407859.1 and 14 more transcripts); c.5347C>T, p.Leu1783= (NM_001407862.1); c.5344C>T, p.Leu1782= (NM_001407863.1); and 74 more.
Identifiers: ClinVar variation 867651 (VCV000867651.15), dbSNP rs2050863835, ClinGen allele CA500142887.